The following is an entry in ClinVar:

NM_016222.4(DDX41):c.1679C>T (p.Pro560Leu)

Gene: DDX41 (DEAD-box helicase 41; minus strand). Cytogenetic location: 5q35.3.
Variant type: single nucleotide variant.
Coding change: c.1679C>T on transcript NM_016222.4 (MANE Select); coding-DNA position 1679, C replaced by T.
Protein change: p.Pro560Leu; replaces proline 560 with leucine.
Molecular consequence: missense variant.
Genome position (GRCh38, 1-based): chr5:177,512,149, G>A on the plus strand (C>T on the coding strand, the complement: DDX41 is on the minus strand). VCF-style: chr5-177512149-G-A. GRCh37 (hg19) VCF-style: chr5-176939150-G-A.
Other names: c.1301C>T, p.Pro434Leu (NM_001321732.2, NM_001321830.2); c.1679C>T (NM_016222.2); short protein forms P560L, P434L.
Identifiers: ClinVar variation 2794854 (VCV002794854.4), dbSNP rs2532073754, ClinGen allele CA362372144.
Genomic context (GRCh38, chr5:177,512,149, plus strand): 5'-CAGTCACCTCCAATGTCCAGCATGGACTCATCCCCGCAATGCAGCACCTGCAGCACGGGC[G>A]GCACCTTCTGCTTGGCTTCTAGCAGCAGCGCTTTGAGGTCCATCAGCACTGACTCATCTG-3'
Protein context (NP_057306.2, residues 550-570): ALLLEAKQKV[Pro560Leu]PVLQVLHCGD

ClinVar aggregate classification (germline): Uncertain significance. Review status: criteria provided, multiple submitters, no conflicts (2 of 4 stars). 2 submissions from 2 submitters: Uncertain significance (2). Last evaluated 2025-11-06.

Conditions:
Inborn genetic diseases. Identifiers: MedGen C0950123, MeSH D030342.

Submissions (2):

Ambry Genetics
Classification: Uncertain significance for Inborn genetic diseases. Last evaluated: 2025-11-06. Review status: criteria provided, single submitter. Criteria: Ambry Variant Classification Scheme 2023. Collection method: clinical testing. Allele origin: germline.
Comment: The p.P560L variant (also known as c.1679C>T), located in coding exon 16 of the DDX41 gene, results from a C to T substitution at nucleotide position 1679. The proline at codon 560 is replaced by leucine, an amino acid with similar properties. This amino acid position is highly conserved in available vertebrate species. In addition, this alteration is predicted to be deleterious by in silico analysis. Based on the available evidence, the clinical significance of this variant remains unclear.

Labcorp Genetics (formerly Invitae), Labcorp
Classification: Uncertain significance. Last evaluated: 2023-04-14. Review status: criteria provided, single submitter. Criteria: Invitae Variant Classification Sherloc (09022015). Collection method: clinical testing. Allele origin: germline.
Comment: In summary, the available evidence is currently insufficient to determine the role of this variant in disease. Therefore, it has been classified as a Variant of Uncertain Significance. An algorithm developed to predict the effect of missense changes on protein structure and function (PolyPhen-2) suggests that this variant is likely to be disruptive. This missense change has been observed in individual(s) with myeloproliferative neoplasm (PMID: 35671390). This variant is not present in population databases (gnomAD no frequency). This sequence change replaces proline, which is neutral and non-polar, with leucine, which is neutral and non-polar, at codon 560 of the DDX41 protein (p.Pro560Leu).

Literature cited by the submitters: PubMed 35671390 (cited by Labcorp Genetics (formerly Invitae), Labcorp).